The following is an entry in ClinVar:

NM_006005.3(WFS1):c.821T>G (p.Leu274Arg)

Gene: WFS1 (wolframin ER transmembrane glycoprotein; plus strand). Cytogenetic location: 4p16.1.
Variant type: single nucleotide variant.
Coding change: c.821T>G on transcript NM_006005.3 (MANE Select); coding-DNA position 821, T replaced by G.
Protein change: p.Leu274Arg; replaces leucine 274 with arginine.
Molecular consequence: missense variant.
Genome position (GRCh38, 1-based): chr4:6,295,149, T>G. VCF-style: chr4-6295149-T-G. GRCh37 (hg19) VCF-style: chr4-6296876-T-G.
Other names: c.821T>G, p.Leu274Arg (NM_001145853.1); short protein forms L274R.
Identifiers: ClinVar variation 3703337 (VCV003703337.2).

ClinVar aggregate classification (germline): Uncertain significance (1 of 4 stars; one submission).

Submission:

Labcorp Genetics (formerly Invitae), Labcorp
Classification: Uncertain significance. Last evaluated: 2025-07-30. Review status: criteria provided, single submitter. Criteria: Invitae Variant Classification Sherloc (09022015). Collection method: clinical testing. Allele origin: germline.
Comment: This sequence change replaces leucine, which is neutral and non-polar, with arginine, which is basic and polar, at codon 274 of the WFS1 protein (p.Leu274Arg). This variant is not present in population databases (gnomAD no frequency). This variant has not been reported in the literature in individuals affected with WFS1-related conditions. ClinVar contains an entry for this variant (Variation ID: 3703337). Invitae Evidence Modeling of protein sequence and biophysical properties (such as structural, functional, and spatial information, amino acid conservation, physicochemical variation, residue mobility, and thermodynamic stability) indicates that this missense variant is not expected to disrupt WFS1 protein function with a negative predictive value of 95%. In summary, the available evidence is currently insufficient to determine the role of this variant in disease. Therefore, it has been classified as a Variant of Uncertain Significance.